The following is an entry in ClinVar:

NM_032444.4(SLX4):c.335C>T (p.Pro112Leu)

Gene: SLX4 (SLX4 structure-specific endonuclease subunit; minus strand). Cytogenetic location: 16p13.3.
Variant type: single nucleotide variant.
Coding change: c.335C>T on transcript NM_032444.4 (MANE Select); coding-DNA position 335, C replaced by T.
Protein change: p.Pro112Leu; replaces proline 112 with leucine.
Molecular consequence: missense variant.
Genome position (GRCh38, 1-based): chr16:3,608,630, G>A on the plus strand (C>T on the coding strand, the complement: SLX4 is on the minus strand). VCF-style: chr16-3608630-G-A. GRCh37 (hg19) VCF-style: chr16-3658631-G-A.
Other names: short protein forms P112L.
Identifiers: ClinVar variation 1209980 (VCV001209980.8), dbSNP rs1333549121, ClinGen allele CA394547439.

ClinVar aggregate classification (germline): Uncertain significance. Review status: criteria provided, single submitter (1 of 4 stars). 3 submissions from 3 submitters: Uncertain significance (1). 2 of the submissions do not count toward it. Last evaluated 2025-11-01.

Allele frequency attached by ClinVar (database versions not stated): TOPMed 0.00001; gnomAD exomes 0.00002; gnomAD 0.00003.
gnomAD v4.1: 28 of 1,614,066 alleles (0.0017%); highest among the groups gnomAD compares: South Asian, 0.0022%; no homozygotes.

Submissions (3):

CeGaT Center for Human Genetics Tuebingen
Classification: Uncertain significance. Last evaluated: 2025-11-01. Review status: criteria provided, single submitter. Criteria: CeGaT Center For Human Genetics Tuebingen Variant Classification Criteria Version 2. Collection method: clinical testing. Allele origin: germline. Affected: yes. Observed: 1 variant allele.
Comment: SLX4: PM2, BP4

Clinical Genetics DNA and cytogenetics Diagnostics Lab, Erasmus MC, Erasmus Medical Center
Classification: Likely benign. Review status: no assertion criteria provided. Collection method: clinical testing. Allele origin: germline. Affected: yes. Study: VKGL Data-share Consensus. Not counted in ClinVar's aggregate classification.

Genome Diagnostics Laboratory, Amsterdam University Medical Center
Classification: Likely benign. Review status: no assertion criteria provided. Collection method: clinical testing. Allele origin: germline. Affected: yes. Study: VKGL Data-share Consensus. Not counted in ClinVar's aggregate classification.